The following is an entry in ClinVar:

ClinVar aggregate classification (germline): Uncertain significance. Review status: criteria provided, multiple submitters, no conflicts (2 of 4 stars). 3 submissions from 3 submitters: Uncertain significance (3). Last evaluated 2025-11-26.

Conditions:
Inborn genetic diseases. Identifiers: MedGen C0950123, MeSH D030342.
Charcot-Marie-Tooth disease axonal type 2P. Also called: CHARCOT-MARIE-TOOTH NEUROPATHY, TYPE 2P; Charcot-Marie-Tooth Neuropathy Type 2G; CHARCOT-MARIE-TOOTH DISEASE, AXONAL, TYPE 2G; CMT 2G. Identifiers: Orphanet 300319, Orphanet 99941, MedGen C3280797, MONDO:0013753, OMIM 614436.

Allele frequency attached by ClinVar (database versions not stated): gnomAD 0.00001; gnomAD exomes 0.00001 and 0.00002; TOPMed 0.00001; ExAC 0.00004.

Submissions (3):

Ambry Genetics
Classification: Uncertain significance for Inborn genetic diseases. Last evaluated: 2025-11-26. Review status: criteria provided, single submitter. Criteria: Ambry Variant Classification Scheme 2023. Collection method: clinical testing. Allele origin: germline.

Labcorp Genetics (formerly Invitae), Labcorp
Classification: Uncertain significance for Charcot-Marie-Tooth disease axonal type 2P. Last evaluated: 2021-09-20. Review status: criteria provided, single submitter. Criteria: Invitae Variant Classification Sherloc (09022015). Collection method: clinical testing. Allele origin: germline.
Comment: This variant is present in population databases (rs767351229, ExAC 0.009%). In summary, the available evidence is currently insufficient to determine the role of this variant in disease. Therefore, it has been classified as a Variant of Uncertain Significance. Algorithms developed to predict the effect of missense changes on protein structure and function (SIFT, PolyPhen-2, Align-GVGD) all suggest that this variant is likely to be tolerated. This variant has not been reported in the literature in individuals affected with LRSAM1-related conditions. This sequence change replaces glutamic acid with lysine at codon 423 of the LRSAM1 protein (p.Glu423Lys). The glutamic acid residue is moderately conserved and there is a small physicochemical difference between glutamic acid and lysine.

GeneDx
Classification: Uncertain significance. Last evaluated: 2019-04-16. Review status: criteria provided, single submitter. Criteria: GeneDx Variant Classification Process June 2021. Collection method: clinical testing. Allele origin: germline. Affected: yes.
Comment: Not observed in large population cohorts (Lek et al., 2016); In silico analysis, which includes protein predictors and evolutionary conservation, supports that this variant does not alter protein structure/function; Has not been previously published as pathogenic or benign to our knowledge

NM_001005373.4(LRSAM1):c.1267G>A (p.Glu423Lys)

Gene: LRSAM1 (leucine rich repeat and sterile alpha motif containing 1; plus strand). Cytogenetic location: 9q33.3.
Variant type: single nucleotide variant.
Coding change: c.1267G>A on transcript NM_001005373.4 (MANE Select); coding-DNA position 1267, G replaced by A.
Protein change: p.Glu423Lys; replaces glutamic acid 423 with lysine.
Molecular consequence: missense variant. On other transcripts: non-coding transcript variant (2).
Genome position (GRCh38, 1-based): chr9:127,487,683, G>A. VCF-style: chr9-127487683-G-A. GRCh37 (hg19) VCF-style: chr9-130249962-G-A.
Other names: c.1267G>A (NM_138361.4); c.1267G>A, p.Glu423Lys (NM_001005374.4, NM_001190723.3, NM_001384142.1 and 2 more transcripts); c.478G>A, p.Glu160Lys (NM_001384144.1); short protein forms E160K, E423K.
Identifiers: ClinVar variation 1316390 (VCV001316390.8), dbSNP rs767351229, ClinGen allele CA5246919.